The following is an entry in ClinVar:

ClinVar aggregate classification (germline): Uncertain significance (1 of 4 stars; one submission).

Allele frequency attached by ClinVar (database versions not stated): ExAC 0.00001.
gnomAD v4.1: 3 of 1,614,176 alleles (0.00019%); highest among the groups gnomAD compares: East Asian, 0.0022%; no homozygotes.

Submission:

GeneDx
Classification: Uncertain significance. Last evaluated: 2019-07-24. Review status: criteria provided, single submitter. Criteria: GeneDx Variant Classification Process June 2021. Collection method: clinical testing. Allele origin: germline. Affected: yes.
Comment: Not observed in large population cohorts (Lek et al., 2016); In silico analysis, which includes protein predictors and evolutionary conservation, supports a deleterious effect; Has not been previously published as pathogenic or benign to our knowledge

NM_017872.5(THG1L):c.260C>T (p.Ala87Val)

Gene: THG1L (tRNA-histidine guanylyltransferase 1 like; plus strand). Cytogenetic location: 5q33.3.
Variant type: single nucleotide variant.
Coding change: c.260C>T on transcript NM_017872.5 (MANE Select); coding-DNA position 260, C replaced by T.
Protein change: p.Ala87Val; replaces alanine 87 with valine.
Molecular consequence: missense variant. On other transcripts: 5 prime UTR variant (2).
Genome position (GRCh38, 1-based): chr5:157,732,936, C>T. VCF-style: chr5-157732936-C-T. GRCh37 (hg19) VCF-style: chr5-157159944-C-T.
Other names: c.-42C>T (NM_001317824.2); c.-112C>T (NM_001317825.2); c.74C>T, p.Ala25Val (NM_001317826.2); short protein forms A25V, A87V.
Identifiers: ClinVar variation 1320730 (VCV001320730.2), dbSNP rs753252523, ClinGen allele CA3536388.